The following is an entry in ClinVar:

NM_023110.3(FGFR1):c.-385G>A

Gene: FGFR1 (fibroblast growth factor receptor 1; minus strand). Cytogenetic location: 8p11.23.
Variant type: single nucleotide variant.
Coding change: c.-385G>A on transcript NM_023110.3 (MANE Select); 385 bases upstream of the start codon, G replaced by A.
Molecular consequence: 5 prime UTR variant.
Genome position (GRCh38, 1-based): chr8:38,468,277, C>T on the plus strand (G>A on the coding strand, the complement: FGFR1 is on the minus strand). VCF-style: chr8-38468277-C-T. GRCh37 (hg19) VCF-style: chr8-38325795-C-T.
Other names: c.-385G>A (NM_001174063.2, NM_001354367.2, NM_001354368.2 and 4 more transcripts); c.-477G>A (NM_001174064.2).
Identifiers: ClinVar variation 362917 (VCV000362917.6), dbSNP rs2467531, ClinGen allele CA10630976.

ClinVar aggregate classification (germline): Benign. Review status: criteria provided, multiple submitters, no conflicts (2 of 4 stars). 5 submissions from 2 submitters: Benign (5). Last evaluated 2021-05-12.

Conditions:
Craniosynostosis syndrome. Also called: Craniosynostosis. Identifiers: Orphanet 1531, MedGen C0010278, MeSH D003398, MONDO:0015469, HP:0001363.
Trigonocephaly 1 (TRIGNO1). Identifiers: Orphanet 3366, MedGen C0432122, MONDO:0008603, OMIM 190440.
Osteoglophonic dysplasia (OGD). Also called: Osteoglophonic dwarfism. Identifiers: Orphanet 2645, MedGen C0432283, MONDO:0008150, OMIM 166250.
Hypogonadotropic hypogonadism 2 with or without anosmia (HH2). Also called: HYPOGONADOTROPIC HYPOGONADISM 2 WITH OR WITHOUT ANOSMIA, SUSCEPTIBILITY TO; HYPOGONADOTROPIC HYPOGONADISM 2 WITHOUT ANOSMIA, SUSCEPTIBILITY TO; FGFR1-Related GnRH Deficiency (Kallmann Syndrome 2); HYPOGONADOTROPIC HYPOGONADISM 2 WITHOUT ANOSMIA. Identifiers: Orphanet 478, MedGen C1563720, MONDO:0007844, OMIM 147950. Disease mechanism: loss of function.

Allele frequency attached by ClinVar (database versions not stated): gnomAD exomes 0.01631; gnomAD 0.06463 and 0.06909; TOPMed 0.07275; 1000 Genomes Project 30x 0.07277; 1000 Genomes Project 0.07288.

Submissions (5):

GeneDx
Classification: Benign. Last evaluated: 2021-05-12. Review status: criteria provided, single submitter. Criteria: GeneDx Variant Classification Process June 2021. Collection method: clinical testing. Allele origin: germline. Affected: yes.

Illumina Laboratory Services, Illumina
Classification: Benign for Craniosynostosis. Last evaluated: 2018-01-12. Review status: criteria provided, single submitter. Criteria: ICSL Variant Classification Criteria 13 December 2019. Collection method: clinical testing. Allele origin: germline.
Comment: This variant was observed in the ICSL laboratory as part of a predisposition screen in an ostensibly healthy population. It had not been previously curated by ICSL or reported in the Human Gene Mutation Database (HGMD: prior to June 1st, 2018), and was therefore a candidate for classification through an automated scoring system. Utilizing variant allele frequency, disease prevalence and penetrance estimates, and inheritance mode, an automated score was calculated to assess if this variant is too frequent to cause the disease. Based on the score and internal cut-off values, a variant classified as benign is not then subjected to further curation. The score for this variant resulted in a classification of benign for this disease.

Illumina Laboratory Services, Illumina
Classification: Benign for Osteoglophonic dysplasia. Last evaluated: 2018-01-12. Review status: criteria provided, single submitter. Criteria: ICSL Variant Classification Criteria 13 December 2019. Collection method: clinical testing. Allele origin: germline.
Comment: the same text as in the submission from Illumina Laboratory Services, Illumina above.

Illumina Laboratory Services, Illumina
Classification: Benign for Hypogonadotropic hypogonadism 2 with or without anosmia. Last evaluated: 2018-01-12. Review status: criteria provided, single submitter. Criteria: ICSL Variant Classification Criteria 13 December 2019. Collection method: clinical testing. Allele origin: germline.
Comment: the same text as in the submission from Illumina Laboratory Services, Illumina above.

Illumina Laboratory Services, Illumina
Classification: Benign for Trigonocephaly 1. Last evaluated: 2018-01-12. Review status: criteria provided, single submitter. Criteria: ICSL Variant Classification Criteria 13 December 2019. Collection method: clinical testing. Allele origin: germline.
Comment: the same text as in the submission from Illumina Laboratory Services, Illumina above.